The following is an entry in ClinVar:

NM_013275.6(ANKRD11):c.4205dup (p.Tyr1402Ter)

Gene: ANKRD11 (ankyrin repeat domain 11; minus strand). Cytogenetic location: 16q24.3.
Variant type: Duplication.
Coding change: c.4205dup on transcript NM_013275.6 (MANE Select); coding-DNA position 4205, one base duplicated (A; older notation c.4205dupA).
Protein change: p.Tyr1402Ter; replaces tyrosine 1402 with a stop codon.
Molecular consequence: nonsense.
Genome position (GRCh38, 1-based): chr16:89,282,337, T duplicated on the plus strand (A on the coding strand, the reverse complement: ANKRD11 is on the minus strand). VCF-style (leftmost placement, unchanged base first): chr16-89282336-G-GT. GRCh37 (hg19) VCF-style: chr16-89348744-G-GT.
Other names: c.4205dupA (NM_013275.5); c.4205dup, p.Tyr1402Ter (NM_001256182.2, NM_001256183.2); short protein forms Y1402*.
Identifiers: ClinVar variation 426290 (VCV000426290.3), dbSNP rs1085307544, ClinGen allele CA645294091.
Genomic context (GRCh38, chr16:89,282,336, plus strand): 5'-CAATTCAATGGTTTTATCTAGCTCATCTTCTATGTCAGCTTTCATGTTGTAAGAAACTCC[G>GT]TAAGCATCCGCCTCCAGGAAGTCCTTTTCGTACTGGCCGGAGTCCTTCCTGCTACCGCCC-3'

ClinVar aggregate classification (germline): Pathogenic. Review status: criteria provided, multiple submitters, no conflicts (2 of 4 stars). 2 submissions from 2 submitters: Pathogenic (2). Last evaluated 2023-10-25.

Conditions:
ANKRD11-related disorder. Also called: ANKRD11-related condition.

Submissions (2):

Blueprint Genetics
Classification: Pathogenic for ANKRD11-related disorders. Last evaluated: 2023-10-25. Review status: criteria provided, single submitter. Criteria: ACMG Guidelines, 2015. Collection method: clinical testing. Allele origin: de novo. Affected: yes. Observed: 1 variant allele.

GeneDx
Classification: Pathogenic. Last evaluated: 2017-04-21. Review status: criteria provided, single submitter. Criteria: GeneDx Variant Classification (06012015). Collection method: clinical testing. Allele origin: germline. Affected: yes.
Comment: The c.4205dupA variant in the ANKRD11 gene has not been reported previously as a pathogenic variant nor as a benign variant, to our knowledge. The c.4205dupA variant results in the substitution of Tyrosine 1402 with a premature Stop codon, denoted p.Tyr1402Ter. This variant is predicted to cause loss of normal protein function either through protein truncation or nonsense-mediated mRNA decay. The c.4205dupA variant is not observed in large population cohorts (Lek et al., 2016; 1000 Genomes Consortium et al., 2015; Exome Variant Server). We interpret c.4205dupA as a pathogenic variant.